The following is an entry in ClinVar:

ClinVar aggregate classification (germline): Likely benign. Review status: criteria provided, single submitter (1 of 4 stars). 2 submissions from 2 submitters: Likely benign (1). 1 of the submissions does not count toward it. Last evaluated 2022-04-13.

Conditions:
PPP1R12A-related disorder. Also called: PPP1R12A-related condition.

Allele frequency attached by ClinVar (database versions not stated): gnomAD 0.00006 and 0.00013; TOPMed 0.00016; gnomAD exomes 0.00020 and 0.00026; ExAC 0.00024; 1000 Genomes Project 30x 0.00047; 1000 Genomes Project 0.00060.
gnomAD v4.1: 297 of 1,613,024 alleles (0.018%); highest among the groups gnomAD compares: East Asian, 0.64%; 3 homozygotes.

Submissions (2):

Labcorp Genetics (formerly Invitae), Labcorp
Classification: Likely benign. Last evaluated: 2022-04-13. Review status: criteria provided, single submitter. Criteria: Invitae Variant Classification Sherloc (09022015). Collection method: clinical testing. Allele origin: germline.

PreventionGenetics, part of Exact Sciences
Classification: Likely benign for PPP1R12A-related condition. Last evaluated: 2021-01-04. Review status: no assertion criteria provided. Collection method: clinical testing. Allele origin: germline. Not counted in ClinVar's aggregate classification.
Comment: This variant is classified as likely benign based on ACMG/AMP sequence variant interpretation guidelines (Richards et al. 2015 PMID: 25741868, with internal and published modifications).

NM_002480.3(PPP1R12A):c.1661C>T (p.Ser554Phe)

Gene: PPP1R12A (protein phosphatase 1 regulatory subunit 12A; minus strand). Cytogenetic location: 12q21.2.
Variant type: single nucleotide variant.
Coding change: c.1661C>T on transcript NM_002480.3 (MANE Select); coding-DNA position 1661, C replaced by T.
Protein change: p.Ser554Phe; replaces serine 554 with phenylalanine.
Molecular consequence: missense variant. On other transcripts: intron variant (1).
Genome position (GRCh38, 1-based): chr12:79,806,328, G>A on the plus strand (C>T on the coding strand, the complement: PPP1R12A is on the minus strand). VCF-style: chr12-79806328-G-A. GRCh37 (hg19) VCF-style: chr12-80200108-G-A.
Other names: c.1400C>T, p.Ser467Phe (NM_001143886.2); c.1661C>T, p.Ser554Phe (NM_001244990.2, NM_001143885.2); c.1656-560C>T (NM_001244992.1); c.1661C>T (NM_002480.2); short protein forms S467F, S554F.
Identifiers: ClinVar variation 1624756 (VCV001624756.10), dbSNP rs569705508, ClinGen allele CA6699621.